The following is an entry in ClinVar:

ClinVar aggregate classification (germline): Pathogenic (1 of 4 stars; one submission).

Conditions:
LAMA2-related muscular dystrophy (LAMA2-RD). Also called: Laminin alpha 2-related dystrophy. Identifiers: MedGen C5679788, MONDO:0100228.

Submission:

Labcorp Genetics (formerly Invitae), Labcorp
Classification: Pathogenic for LAMA2-related muscular dystrophy. Last evaluated: 2021-10-04. Review status: criteria provided, single submitter. Criteria: Invitae Variant Classification Sherloc (09022015). Collection method: clinical testing. Allele origin: germline.
Comment: This sequence change creates a premature translational stop signal (p.Gly2989Aspfs*4) in the LAMA2 gene. It is expected to result in an absent or disrupted protein product. Loss-of-function variants in LAMA2 are known to be pathogenic (PMID: 18700894, 32904964). This variant is not present in population databases (ExAC no frequency). For these reasons, this variant has been classified as Pathogenic. Algorithms developed to predict the effect of sequence changes on RNA splicing suggest that this variant may create or strengthen a splice site. This variant has not been reported in the literature in individuals affected with LAMA2-related conditions.

Literature cited by the submitters: PubMed 18700894; PubMed 32904964.

NM_000426.4(LAMA2):c.8962_8965dup (p.Gly2989fs)

Gene: LAMA2 (laminin subunit alpha 2; plus strand). Cytogenetic location: 6q22.33.
Variant type: Duplication.
Coding change: c.8962_8965dup on transcript NM_000426.4 (MANE Select); coding-DNA positions 8962 to 8965, 4 bases duplicated (ATGG; older notation c.8962_8965dupATGG).
Protein change: p.Gly2989fs; shifts the reading frame from glycine 2989.
Molecular consequence: frameshift variant.
Genome position (GRCh38, 1-based): chr6:129,512,467-129,512,470, ATGG duplicated. VCF-style (leftmost placement, unchanged base first): chr6-129512466-A-AATGG. GRCh37 (hg19) VCF-style: chr6-129833611-A-AATGG.
Other names: c.8950_8953dup, p.Gly2985fs (NM_001079823.2); short protein forms G2985fs, G2989fs.
Identifiers: ClinVar variation 1453195 (VCV001453195.6), dbSNP rs2114931095, ClinGen allele CA2573140497.